The following is an entry in ClinVar:

ClinVar aggregate classification (germline): Uncertain significance (1 of 4 stars; one submission).

Submission:

Labcorp Genetics (formerly Invitae), Labcorp
Classification: Uncertain significance. Last evaluated: 2022-07-19. Review status: criteria provided, single submitter. Criteria: Invitae Variant Classification Sherloc (09022015). Collection method: clinical testing. Allele origin: germline.
Comment: In summary, the available evidence is currently insufficient to determine the role of this variant in disease. Therefore, it has been classified as a Variant of Uncertain Significance. Advanced modeling of protein sequence and biophysical properties (such as structural, functional, and spatial information, amino acid conservation, physicochemical variation, residue mobility, and thermodynamic stability) performed at Invitae indicates that this missense variant is expected to disrupt MYO7A protein function. ClinVar contains an entry for this variant (Variation ID: 1450715). This variant has not been reported in the literature in individuals affected with MYO7A-related conditions. This variant is not present in population databases (gnomAD no frequency). This sequence change replaces glutamic acid, which is acidic and polar, with glycine, which is neutral and non-polar, at codon 480 of the MYO7A protein (p.Glu480Gly).

NM_000260.4(MYO7A):c.1439A>G (p.Glu480Gly)

Gene: MYO7A (myosin VIIA; plus strand). Cytogenetic location: 11q13.5.
Variant type: single nucleotide variant.
Coding change: c.1439A>G on transcript NM_000260.4 (MANE Select); coding-DNA position 1439, A replaced by G.
Protein change: p.Glu480Gly; replaces glutamic acid 480 with glycine.
Molecular consequence: missense variant.
Genome position (GRCh38, 1-based): chr11:77,162,215, A>G. VCF-style: chr11-77162215-A-G. GRCh37 (hg19) VCF-style: chr11-76873261-A-G.
Other names: c.1439A>G, p.Glu480Gly (NM_001127180.2); c.1406A>G, p.Glu469Gly (NM_001369365.1); short protein forms E469G, E480G.
Identifiers: ClinVar variation 1450715 (VCV001450715.6), dbSNP rs900521577, ClinGen allele CA224831429.